The following is an entry in ClinVar:

ClinVar aggregate classification (germline): Uncertain significance. Review status: criteria provided, multiple submitters, no conflicts (2 of 4 stars). 3 submissions from 3 submitters: Uncertain significance (3). Last evaluated 2025-02-23.

Conditions:
Retinitis pigmentosa (RP). Identifiers: Orphanet 791, MedGen C0035334, MeSH D012174, MONDO:0019200, OMIM 268000. Inheritance: Autosomal dominant, autosomal recessive and X linked inheritance.

Allele frequency attached by ClinVar (database versions not stated): gnomAD 0.00004 and 0.00005; TOPMed 0.00005; ESP Exome Variant Server 0.00008; gnomAD exomes 0.00009; ExAC 0.00010; 1000 Genomes Project 30x 0.00016; 1000 Genomes Project 0.00020.

Submissions (3):

Labcorp Genetics (formerly Invitae), Labcorp
Classification: Uncertain significance. Last evaluated: 2025-02-23. Review status: criteria provided, single submitter. Criteria: Invitae Variant Classification Sherloc (09022015). Collection method: clinical testing. Allele origin: germline.
Comment: This sequence change replaces glycine, which is neutral and non-polar, with serine, which is neutral and polar, at codon 87 of the RGR protein (p.Gly87Ser). This variant is present in population databases (rs369457258, gnomAD 0.04%). This variant has not been reported in the literature in individuals affected with RGR-related conditions. ClinVar contains an entry for this variant (Variation ID: 301318). Experimental studies and prediction algorithms are not available or were not evaluated, and the functional significance of this variant is currently unknown. In summary, the available evidence is currently insufficient to determine the role of this variant in disease. Therefore, it has been classified as a Variant of Uncertain Significance.

Blueprint Genetics
Classification: Uncertain significance. Last evaluated: 2024-10-10. Review status: criteria provided, single submitter. Criteria: ACMG Guidelines, 2015. Collection method: clinical testing. Allele origin: germline.

Illumina Laboratory Services, Illumina
Classification: Uncertain significance for Retinitis pigmentosa. Last evaluated: 2018-01-13. Review status: criteria provided, single submitter. Criteria: ICSL Variant Classification Criteria 13 December 2019. Collection method: clinical testing. Allele origin: germline.

NM_001012720.2(RGR):c.259G>A (p.Gly87Ser)

Gene: RGR (retinal G protein coupled receptor; plus strand). Cytogenetic location: 10q23.1.
Variant type: single nucleotide variant.
Coding change: c.259G>A on transcript NM_001012720.2 (MANE Select); coding-DNA position 259, G replaced by A.
Protein change: p.Gly87Ser; replaces glycine 87 with serine.
Molecular consequence: missense variant.
Genome position (GRCh38, 1-based): chr10:84,248,944, G>A. VCF-style: chr10-84248944-G-A. GRCh37 (hg19) VCF-style: chr10-86008700-G-A.
Other names: c.259G>A, p.Gly87Ser (NM_001012722.2); c.271G>A, p.Gly91Ser (NM_002921.4); short protein forms G87S, G91S.
Identifiers: ClinVar variation 301318 (VCV000301318.13), dbSNP rs369457258, ClinGen allele CA5581370.
Genomic context (GRCh38, chr10:84,248,944, plus strand): 5'-TCGGAGGAGAGGTCACTGGTGCCCAGTGTCTCCCACAGGCGCTGGCCCTACGGCTCGGAC[G>A]GCTGCCAGGCTCACGGCTTCCAGGGCTTTGTGACAGCGTTGGCCAGCATCTGCAGCAGTG-3'
Protein context (NP_001012738.1, residues 77-97): LLRRWPYGSD[Gly87Ser]CQAHGFQGFV